The following is an entry in ClinVar:

ClinVar aggregate classification (germline): Uncertain significance (1 of 4 stars; one submission).

Submission:

Women's Health and Genetics/Laboratory Corporation of America, LabCorp
Classification: Uncertain significance. Last evaluated: 2026-02-06. Review status: criteria provided, single submitter. Criteria: LabCorp Variant Classification Summary - May 2015. Collection method: clinical testing. Allele origin: germline.
Comment: Variant summary: CIITA c.987C>G (p.Asn329Lys) results in a non-conservative amino acid change in the encoded protein sequence. Algorithms developed to predict the effect of missense changes on protein structure and function are either unavailable or do not agree on the potential impact of this missense change. The variant was absent in 251482 control chromosomes. The available data on variant occurrences in the general population are insufficient to allow any conclusion about variant significance. To our knowledge, no occurrence of c.987C>G in individuals affected with CIITA-related conditions and no experimental evidence demonstrating its impact on protein function have been reported. No submitters have cited clinical-significance assessments for this variant to ClinVar. Based on the evidence outlined above, the variant was classified as uncertain significance.

NM_000246.4(CIITA):c.987C>G (p.Asn329Lys)

Gene: CIITA (class II major histocompatibility complex transactivator; plus strand). Cytogenetic location: 16p13.13.
Variant type: single nucleotide variant.
Coding change: c.987C>G on transcript NM_000246.4 (MANE Select); coding-DNA position 987, C replaced by G.
Protein change: p.Asn329Lys; replaces asparagine 329 with lysine.
Molecular consequence: missense variant. On other transcripts: non-coding transcript variant (1).
Genome position (GRCh38, 1-based): chr16:10,904,793, C>G. VCF-style: chr16-10904793-C-G. GRCh37 (hg19) VCF-style: chr16-10998650-C-G.
Other names: c.990C>G, p.Asn330Lys (NM_001286402.1, NM_001379332.1); c.840C>G, p.Asn280Lys (NM_001286403.2, NM_001379331.1); c.843C>G, p.Asn281Lys (NM_001379330.1); c.987C>G, p.Asn329Lys (NM_001379333.1); c.918C>G, p.Asn306Lys (NM_001379334.1); short protein forms N280K, N281K, N306K, N329K, N330K.
Identifiers: ClinVar variation 4848009 (VCV004848009.1).